The following is an entry in ClinVar:

NM_002230.4(JUP):c.707+3delinsGAGCCCATCAGTGAG

Gene: JUP (junction plakoglobin; minus strand). Cytogenetic location: 17q21.2.
Variant type: Indel.
Coding change: c.707+3delinsGAGCCCATCAGTGAG on transcript NM_002230.4 (MANE Select); 3 bases into the intron after coding-DNA position 707, A replaced by GAGCCCATCAGTGAG.
Molecular consequence: intron variant.
Genome position (GRCh38, 1-based): chr17:41,768,966, T replaced by CTCACTGATGGGCTC on the plus strand (A replaced by GAGCCCATCAGTGAG on the coding strand, the reverse complement: JUP is on the minus strand). VCF-style: chr17-41768966-T-CTCACTGATGGGCTC. GRCh37 (hg19) VCF-style: chr17-39925218-T-CTCACTGATGGGCTC.
Other names: c.707+3delinsGAGCCCATCAGTGAG (NM_001352774.2, NM_021991.4, NM_001352776.2 and 3 more transcripts).
Identifiers: ClinVar variation 1757007 (VCV001757007.2), dbSNP rs2544178913, ClinGen allele CA2580093835.

ClinVar aggregate classification (germline): Uncertain significance (1 of 4 stars; one submission).

Conditions:
Cardiovascular phenotype. Identifiers: MedGen CN230736.

Submission:

Ambry Genetics
Classification: Uncertain significance for Cardiovascular phenotype. Last evaluated: 2021-07-13. Review status: criteria provided, single submitter. Criteria: Ambry Variant Classification Scheme 2023. Collection method: clinical testing. Allele origin: germline.
Comment: The c.707+3delAins15 intronic variant results from a deletion of one nucleotide and the insertion of 15 nucleotides 3 nucleotides after coding exon 3 of the JUP gene. This nucleotide region is not well conserved in available vertebrate species. In silico splice site analysis predicts that this alteration will not have any significant effect on splicing. Since supporting evidence is limited at this time, the clinical significance of this alteration remains unclear.